The following is an entry in ClinVar:

ClinVar aggregate classification (germline): Pathogenic (1 of 4 stars; one submission).

Conditions:
Cardiovascular phenotype. Identifiers: MedGen CN230736.

Submission:

Ambry Genetics
Classification: Pathogenic for Cardiovascular phenotype. Last evaluated: 2021-07-23. Review status: criteria provided, single submitter. Criteria: Ambry Variant Classification Scheme 2023. Collection method: clinical testing. Allele origin: germline.
Comment: The p.Q1830* pathogenic mutation (also known as c.5488C>T), located in coding exon 24 of the DSP gene, results from a C to T substitution at nucleotide position 5488. This changes the amino acid from a glutamine to a stop codon within coding exon 24. This alteration occurs at the 3' terminus of theDSP gene, is not expected to trigger nonsense-mediated mRNA decay, and impacts the last 36% of the protein. However, premature stop codons are typically deleterious in nature and the impacted region is critical for protein function (Ambry internal data). Alterations in DSP that result in haploinsufficiency or protein truncation have been reported in patients with arrhythmogenic right ventricular cardiomyopathy (ARVC) and dilated cardiomyopathy (DCM) (Fressart V et al. Europace. 2010;12(6):861-8; Elliott P et al. Circ Cardiovasc Genet. 2010;3(4):314-22; Quarta G et al. Circulation. 2011;123(23):2701-9; Garcia-Pavia P et al. Heart. 2011;97(21):1744-52; Rasmussen TB et al. Clin Genet. 2013;84(1):20-30; Pugh TJ et al. Genet Med. 2014;16(8):601-8). In addition, several alterations more C-terminal than this variant have been detected in ARVC and DCM cohorts (e.g., c.8077_8080delAAG and c.8188delC in Walsh R et al. Genet. Med. 2017;19:192-203). Based on the supporting evidence, this alteration is interpreted as a disease-causing mutation.

NM_004415.4(DSP):c.5488C>T (p.Gln1830Ter)

Gene: DSP (desmoplakin; plus strand). Cytogenetic location: 6p24.3.
Variant type: single nucleotide variant.
Coding change: c.5488C>T on transcript NM_004415.4 (MANE Select); coding-DNA position 5488, C replaced by T.
Protein change: p.Gln1830Ter; replaces glutamine 1830 with a stop codon.
Molecular consequence: nonsense.
Genome position (GRCh38, 1-based): chr6:7,582,750, C>T. VCF-style: chr6-7582750-C-T. GRCh37 (hg19) VCF-style: chr6-7582983-C-T.
Other names: c.3691C>T, p.Gln1231Ter (NM_001008844.3); c.4159C>T, p.Gln1387Ter (NM_001319034.2); short protein forms Q1387*, Q1830*, Q1231*.
Identifiers: ClinVar variation 1747830 (VCV001747830.2), dbSNP rs2533936126, ClinGen allele CA362688735.